The following is an entry in ClinVar:

NM_001081.4(CUBN):c.3894T>A (p.Asn1298Lys)

Gene: CUBN (cubilin; minus strand). Cytogenetic location: 10p13.
Variant type: single nucleotide variant.
Coding change: c.3894T>A on transcript NM_001081.4 (MANE Select); coding-DNA position 3894, T replaced by A.
Protein change: p.Asn1298Lys; replaces asparagine 1298 with lysine.
Molecular consequence: missense variant.
Genome position (GRCh38, 1-based): chr10:17,041,156, A>T on the plus strand (T>A on the coding strand, the complement: CUBN is on the minus strand). VCF-style: chr10-17041156-A-T. GRCh37 (hg19) VCF-style: chr10-17083155-A-T.
Other names: short protein forms N1298K.
Identifiers: ClinVar variation 2007278 (VCV002007278.4), dbSNP rs2491931419, ClinGen allele CA376146649.
Genomic context (GRCh38, chr10:17,041,156, plus strand): 5'-CACAGTGTTGCCTGTTGTTGCCCGGATGGTCCAGTTGCAATGCTGATTTTCAGAATAAGG[A>T]TTCGGATACCCTATACTCTCTAAGATGCCATAGGTTTGATTGACTATTACCACATTCTCA-3'
Protein context (NP_001072.2, residues 1288-1308): YGILESIGYP[Asn1298Lys]PYSENQHCNW

ClinVar aggregate classification (germline): Uncertain significance (1 of 4 stars; one submission).

Conditions:
Imerslund-Grasbeck syndrome. Also called: ENTEROCYTE COBALAMIN MALABSORPTION; ENTEROCYTE INTRINSIC FACTOR RECEPTOR, DEFECT OF; PERNICIOUS ANEMIA, JUVENILE, DUE TO SELECTIVE INTESTINAL MALABSORPTION OF VITAMIN B12, WITH PROTEINURIA; Imerslund-Gräsbeck syndrome; Megaloblastic anemia due to inborn errors of metabolism. Identifiers: Orphanet 35858, MedGen C4551825, MONDO:0009853.

Allele frequency attached by ClinVar (database versions not stated): gnomAD exomes below 0.00001.
gnomAD v4.1: 1 of 1,613,814 alleles (0.000062%); highest among the groups gnomAD compares: Non-Finnish European, 0.000085%; no homozygotes.

Submission:

Labcorp Genetics (formerly Invitae), Labcorp
Classification: Uncertain significance for Imerslund-Grasbeck syndrome. Last evaluated: 2024-10-26. Review status: criteria provided, single submitter. Criteria: Invitae Variant Classification Sherloc (09022015). Collection method: clinical testing. Allele origin: germline.
Comment: This sequence change replaces asparagine, which is neutral and polar, with lysine, which is basic and polar, at codon 1298 of the CUBN protein (p.Asn1298Lys). This variant is not present in population databases (gnomAD no frequency). This variant has not been reported in the literature in individuals affected with CUBN-related conditions. ClinVar contains an entry for this variant (Variation ID: 2007278). An algorithm developed to predict the effect of missense changes on protein structure and function outputs the following: PolyPhen-2: "Benign". The lysine amino acid residue is found in multiple mammalian species, which suggests that this missense change does not adversely affect protein function. In summary, the available evidence is currently insufficient to determine the role of this variant in disease. Therefore, it has been classified as a Variant of Uncertain Significance.